The following is an entry in ClinVar:

ClinVar aggregate classification (germline): Pathogenic (3 of 4 stars; one submission).

Conditions:
Monogenic diabetes. Identifiers: Orphanet 183625, MedGen C3888631, MONDO:0015967.

Submission:

ClinGen Monogenic Diabetes Variant Curation Expert Panel
Classification: Pathogenic for Monogenic diabetes. Last evaluated: 2024-09-09. Review status: reviewed by expert panel. Criteria: ClinGen Diabetes ACMG Specifications HNF4A V2.0.0. Collection method: curation. Allele origin: germline. Inheritance: Autosomal dominant inheritance.
Comment: The c.185del variant in the hepatocyte nuclear factor 4 alpha gene, HNF4A, , causes a frameshift in the protein at codon 62 in transcript NM_175914.5, adding 42 novel amino acids before encountering a stop codon (p.(Phe62Serfs*42)). This variant is absent from gnomAD v2.1.1 (PM2_Supporting). This variant, located in biologically-relevant exon 2 of 10, is predicted to lead to nonsense mediated decay in a gene in which loss-of-function is an established disease mechanism (PVS1; PMID:23348805 ). This variant was identified in an individual with a clinical history highly specific for HNF4A-monogenic diabetes (MODY probability calculator result >50%, negative genetic testing for HNF1A) (PP4; PMID:9920109). This variant segregated with diabetes with 5 meioses in one family (PP1_Strong; PMID:9920109). In summary, c.185del meets the criteria to be classified as pathogenic for monogenic diabetes. ACMG/AMP criteria applied, as specified by the ClinGen MDEP VCEP (specification version 2.0.0, approved 10/11/2023): PVS1, PM2_Supporting, PP4_Moderate, PP1_Strong.

NM_175914.5(HNF4A):c.185del (p.Phe62fs)

Gene: HNF4A (hepatocyte nuclear factor 4 alpha; plus strand). Cytogenetic location: 20q13.12.
Variant type: Deletion.
Coding change: c.185del on transcript NM_175914.5 (MANE Select); coding-DNA position 185, one base deleted (T; older notation c.185delT).
Protein change: p.Phe62fs; shifts the reading frame from phenylalanine 62.
Molecular consequence: frameshift variant.
Genome position (GRCh38, 1-based): chr20:44,406,193, T deleted; the last of 2 consecutive T bases (chr20:44,406,192-44,406,193); deleting either gives the same sequence. VCF-style (leftmost placement, unchanged base first): chr20-44406191-CT-C. GRCh37 (hg19) VCF-style: chr20-43034831-CT-C.
Other names: NM_175914.5:c.185del; c.251del, p.Phe84fs (NM_000457.6, NM_178849.3, NM_178850.3); c.185del, p.Phe62fs (NM_001030003.3, NM_001030004.3); c.230del, p.Phe77fs (NM_001258355.2); c.176del, p.Phe59fs (NM_001287182.2, NM_001287183.2, NM_001287184.2); short protein forms F59fs, F62fs, F77fs, F84fs.
Identifiers: ClinVar variation 3358874 (VCV003358874.1).